The following is an entry in ClinVar:

NM_014413.4(EIF2AK1):c.119-2A>G

Gene: EIF2AK1 (eukaryotic translation initiation factor 2 alpha kinase 1; minus strand). Cytogenetic location: 7p22.1.
Variant type: single nucleotide variant.
Coding change: c.119-2A>G on transcript NM_014413.4 (MANE Select); the canonical splice acceptor site of the intron before coding-DNA position 119, A replaced by G.
Molecular consequence: splice acceptor variant.
Genome position (GRCh38, 1-based): chr7:6,054,706, T>C on the plus strand (A>G on the coding strand, the complement: EIF2AK1 is on the minus strand). VCF-style: chr7-6054706-T-C. GRCh37 (hg19) VCF-style: chr7-6094337-T-C.
Other names: c.119-2A>G (NM_001134335.2).
Identifiers: ClinVar variation 2116265 (VCV002116265.5), dbSNP rs768298421, ClinGen allele CA4151340.
Genomic context (GRCh38, chr7:6,054,706, plus strand): 5'-GAAGGTTGGCTGTTGTAGGGGTTCTTTTAACACCTGGATTTCTGCTGGAACATCAGATTC[T>C]AAAAATTAAAAAGGAAAATATTTTTAAATTAATGGTAAACCTGTCTCATAATGACAAAAC-3'

ClinVar aggregate classification (germline): Uncertain significance (1 of 4 stars; one submission).

Allele frequency attached by ClinVar (database versions not stated): ExAC 0.00001; gnomAD exomes below 0.00001; TOPMed 0.00002; gnomAD 0.00003.
gnomAD v4.1: 11 of 1,611,100 alleles (0.00068%); highest among the groups gnomAD compares: Admixed American, 0.013%; no homozygotes.

Submissions (2):

Labcorp Genetics (formerly Invitae), Labcorp
Classification: Uncertain significance. Last evaluated: 2025-10-21. Review status: criteria provided, single submitter. Criteria: Invitae Variant Classification Sherloc (09022015). Collection method: clinical testing. Allele origin: germline.
Comment: This sequence change affects an acceptor splice site in intron 1 of the EIF2AK1 gene. It is expected to disrupt RNA splicing. Variants that disrupt the donor or acceptor splice site typically lead to a loss of protein function (PMID: 16199547), however the current clinical and genetic evidence is not sufficient to establish whether loss-of-function variants in EIF2AK1 cause disease. This variant is present in population databases (rs768298421, gnomAD 0.006%). This variant has not been reported in the literature in individuals affected with EIF2AK1-related conditions. ClinVar contains an entry for this variant (Variation ID: 2116265). Algorithms developed to predict the effect of sequence changes on RNA splicing suggest that this variant may disrupt the consensus splice site. In summary, the available evidence is currently insufficient to determine the role of this variant in disease. Therefore, it has been classified as a Variant of Uncertain Significance.

Dr. Peter K. Rogan Lab, Western University
No classification provided (evidence only). Condition: Malignant tumor of urinary bladder. Review status: no classification provided. Collection method: in vitro. Allele origin: not applicable. Functional consequence: skipped exon, retained intron. Not counted in ClinVar's aggregate classification.

Literature cited by the submitters: PubMed 16199547 (cited by Labcorp Genetics (formerly Invitae), Labcorp).